The following is an entry in ClinVar:

ClinVar aggregate classification (germline): Conflicting classifications of pathogenicity. Review status: criteria provided, conflicting classifications (1 of 4 stars). 2 submissions from 2 submitters: Uncertain significance (1); Likely benign (1). Last evaluated 2022-08-01.

Conditions:
Hereditary diffuse gastric adenocarcinoma (HDGC). Also called: DIFFUSE GASTRIC AND LOBULAR BREAST CANCER SYNDROME. Identifiers: Orphanet 26106, MedGen C1708349, MONDO:0007648, OMIM 137215.

Allele frequency attached by ClinVar (database versions not stated): gnomAD exomes 0.00179; gnomAD 0.01459 and 0.01561; 1000 Genomes Project 0.01597; TOPMed 0.01649; 1000 Genomes Project 30x 0.01811.
gnomAD v4.1: 3,291 of 706,726 alleles (0.47%); highest among the groups gnomAD compares: African/African-American, 5%; 67 homozygotes.

Submissions (2):

European Reference Network on Genetic Tumour Risk Syndromes (ERN-GENTURIS), i3s - Instituto de Investigação e Inovação em Saúde, University of Porto
Classification: Uncertain significance for Hereditary diffuse gastric adenocarcinoma. Last evaluated: 2022-08-01. Review status: criteria provided, single submitter. Criteria: Lee et al. (Hum Mutat. 2018). Collection method: clinical testing. Allele origin: germline. Inheritance: Autosomal dominant inheritance. Affected: no. Study: ERN GENTURIS.
Comment: PM2 (PMID: 30311375)

GeneDx
Classification: Likely benign. Last evaluated: 2018-06-21. Review status: criteria provided, single submitter. Criteria: GeneDx Variant Classification Process June 2021. Collection method: clinical testing. Allele origin: germline. Affected: yes.

Literature cited by the submitters: PubMed 36436516 (cited by European Reference Network on Genetic Tumour Risk Syndromes (ERN-GENTURIS), i3s - Instituto de Investigação e Inovação em Saúde, University of Porto).

NM_004360.5(CDH1):c.2440-143G>A

Gene: CDH1 (cadherin 1; plus strand). Cytogenetic location: 16q22.1.
Variant type: single nucleotide variant.
Coding change: c.2440-143G>A on transcript NM_004360.5 (MANE Select); 143 bases into the intron before coding-DNA position 2440, G replaced by A.
Molecular consequence: intron variant.
Genome position (GRCh38, 1-based): chr16:68,833,147, G>A. VCF-style: chr16-68833147-G-A. GRCh37 (hg19) VCF-style: chr16-68867050-G-A.
Other names: c.2440-143G>A (NM_004360.4); c.892-143G>A (NM_001317185.2); c.475-143G>A (NM_001317186.2); c.2257-143G>A (NM_001317184.2).
Identifiers: ClinVar variation 1196845 (VCV001196845.3), dbSNP rs34238989, ClinGen allele CA283319595.